The following is an entry in ClinVar:

ClinVar aggregate classification (germline): Uncertain significance. Review status: criteria provided, multiple submitters, no conflicts (2 of 4 stars). 2 submissions from 2 submitters: Uncertain significance (2). Last evaluated 2022-09-07.

Submissions (2):

Labcorp Genetics (formerly Invitae), Labcorp
Classification: Uncertain significance. Last evaluated: 2022-09-07. Review status: criteria provided, single submitter. Criteria: Invitae Variant Classification Sherloc (09022015). Collection method: clinical testing. Allele origin: germline.
Comment: In summary, the available evidence is currently insufficient to determine the role of this variant in disease. Therefore, it has been classified as a Variant of Uncertain Significance. Experimental studies and prediction algorithms are not available or were not evaluated, and the functional significance of this variant is currently unknown. ClinVar contains an entry for this variant (Variation ID: 298539). This variant has not been reported in the literature in individuals affected with FBXW4-related conditions. This variant is present in population databases (rs768227529, gnomAD 0.4%). This variant, c.42_44dup, results in the insertion of 1 amino acid(s) of the FBXW4 protein (p.Ala15dup), but otherwise preserves the integrity of the reading frame.

Eurofins Ntd Llc (ga)
Classification: Uncertain significance. Last evaluated: 2015-10-26. Review status: criteria provided, single submitter. Criteria: EGL Classification Definitions. Collection method: clinical testing. Allele origin: germline. Observed: 1 variant allele, 1 heterozygote.

NM_022039.4(FBXW4):c.504GGC[3] (p.Ala170dup)

Genes: FBXW4 (F-box and WD repeat domain containing 4; minus strand), LOC130004563 (ATAC-STARR-seq lymphoblastoid silent region 2723; plus strand). Cytogenetic location: 10q24.32.
Variant type: Microsatellite.
Coding change: c.504GGC[3] on transcript NM_022039.4 (MANE Select); three copies in a row of the 3-base unit GGC starting at c.504; the reference has two copies in a row; one copy, 3 bases duplicated.
Protein change: p.Ala170dup; duplicates alanine 170.
Molecular consequence: inframe insertion. On other transcripts: non-coding transcript variant (1), intron variant (1).
Genome position (GRCh38, 1-based): chr10:101,694,597-101,694,599, GCC duplicated on the plus strand (GGC on the coding strand, the reverse complement: FBXW4 is on the minus strand); duplicating any 3 consecutive bases within chr10:101,694,597-101,694,602 gives the same sequence; the position shown is the placement nearest the transcript's 3' end. VCF-style (leftmost placement, unchanged base first): chr10-101694596-A-AGCC. GRCh37 (hg19) VCF-style: chr10-103454353-A-AGCC.
Other names: c.-2+638GGC[3] (NM_001323541.2).
Identifiers: ClinVar variation 298539 (VCV000298539.16), dbSNP rs768227529, ClinGen allele CA10604776.
Genomic context (GRCh38, chr10:101,694,596, plus strand): 5'-CAGCTCCTCCGGCAGGCGCCAGAGCGCAGGCCCCGCGGCCGGGCGGGCAGCCGACTCCCG[A>AGCC]GCCGCCTCCTCCTCCTCCTCCTCCTCCCCGGCCGCCGCCGCCATGGCCACCCCTGTCCCC-3'